The following is an entry in ClinVar:

ClinVar aggregate classification (germline): Uncertain significance (1 of 4 stars; one submission).

Conditions:
SCAPER-related disorder. Also called: SCAPER-related condition.

gnomAD v4.1: 3 of 1,613,826 alleles (0.00019%); highest among the groups gnomAD compares: Middle Eastern, 0.016%; no homozygotes.

Submission:

PreventionGenetics, part of Exact Sciences
Classification: Uncertain significance for SCAPER-related condition. Last evaluated: 2025-10-23. Review status: criteria provided, single submitter. Criteria: ACMG Guidelines, 2015. Collection method: clinical testing. Allele origin: germline.
Comment: The SCAPER c.3661G>C variant is predicted to result in the amino acid substitution p.Val1221Leu. To our knowledge, this variant has not been reported in the literature or in a large population database (gnomAD), indicating this variant is rare. At this time, the clinical significance of this variant is uncertain due to the absence of conclusive functional and genetic evidence.

NM_020843.4(SCAPER):c.3643G>C (p.Val1215Leu)

Gene: SCAPER (S-phase cyclin A associated protein in the ER; minus strand). Cytogenetic location: 15q24.3.
Variant type: single nucleotide variant.
Coding change: c.3643G>C on transcript NM_020843.4 (MANE Select); coding-DNA position 3643, G replaced by C.
Protein change: p.Val1215Leu; replaces valine 1215 with leucine.
Molecular consequence: missense variant. On other transcripts: non-coding transcript variant (1).
Genome position (GRCh38, 1-based): chr15:76,381,440, C>G on the plus strand (G>C on the coding strand, the complement: SCAPER is on the minus strand). VCF-style: chr15-76381440-C-G. GRCh37 (hg19) VCF-style: chr15-76673781-C-G.
Other names: c.2905G>C, p.Val969Leu (NM_001145923.2); c.3661G>C, p.Val1221Leu (NM_001353009.2); c.3241G>C, p.Val1081Leu (NM_001353010.2, NM_001353012.2); c.3259G>C, p.Val1087Leu (NM_001353011.2); short protein forms V1081L, V1221L, V1087L, V1215L, V969L.
Identifiers: ClinVar variation 4994746 (VCV004994746.1).